The following is an entry in ClinVar:

ClinVar aggregate classification (germline): Uncertain significance (1 of 4 stars; one submission).

Submission:

Ambry Genetics
Classification: Uncertain significance. Last evaluated: 2024-01-19. Review status: criteria provided, single submitter. Criteria: Ambry Variant Classification Scheme 2023. Collection method: clinical testing. Allele origin: germline.
Comment: The p.F312V variant (also known as c.934T>G), located in coding exon 6 of the BUB3 gene, results from a T to G substitution at nucleotide position 934. The phenylalanine at codon 312 is replaced by valine, an amino acid with highly similar properties. This amino acid position is conserved. In addition, this alteration is predicted to be tolerated by in silico analysis. Based on the available evidence, the clinical significance of this alteration remains unclear.

NM_004725.4(BUB3):c.934T>G (p.Phe312Val)

Gene: BUB3 (BUB3 mitotic checkpoint protein; plus strand). Cytogenetic location: 10q26.13.
Variant type: single nucleotide variant.
Coding change: c.934T>G on transcript NM_004725.4 (MANE Select); coding-DNA position 934, T replaced by G.
Protein change: p.Phe312Val; replaces phenylalanine 312 with valine.
Molecular consequence: missense variant.
Genome position (GRCh38, 1-based): chr10:123,162,791, T>G. VCF-style: chr10-123162791-T-G. GRCh37 (hg19) VCF-style: chr10-124922307-T-G.
Other names: c.934T>G, p.Phe312Val (NM_001007793.3); short protein forms F312V.
Identifiers: ClinVar variation 3224530 (VCV003224530.1), dbSNP rs2493767314, ClinGen allele CA378627241.